The following is an entry in ClinVar:

ClinVar aggregate classification (germline): Uncertain significance (1 of 4 stars; one submission).

Conditions:
Ataxia-telangiectasia syndrome (AT). Also called: Ataxia-telangiectasia, complementation group D; AT, COMPLEMENTATION GROUP C; Cerebello-oculocutaneous telangiectasia; Immunodeficiency with ataxia telangiectasia; Ataxia-telangiectasia, complementation group E; LOUIS-BAR SYNDROME. Identifiers: Orphanet 100, MedGen C0004135, MONDO:0008840, OMIM 208900.

Submission:

Labcorp Genetics (formerly Invitae), Labcorp
Classification: Uncertain significance for Ataxia-telangiectasia syndrome. Last evaluated: 2021-06-05. Review status: criteria provided, single submitter. Criteria: Invitae Variant Classification Sherloc (09022015). Collection method: clinical testing. Allele origin: germline.
Comment: This sequence change replaces proline with alanine at codon 1526 of the ATM protein (p.Pro1526Ala). The proline residue is highly conserved and there is a small physicochemical difference between proline and alanine. This variant is not present in population databases (ExAC no frequency). This variant has not been reported in the literature in individuals with ATM-related conditions. Advanced modeling of protein sequence and biophysical properties (such as structural, functional, and spatial information, amino acid conservation, physicochemical variation, residue mobility, and thermodynamic stability) performed at Invitae indicates that this missense variant is not expected to disrupt ATM protein function. Algorithms developed to predict the effect of sequence changes on RNA splicing suggest that this variant may create or strengthen a splice site, but this prediction has not been confirmed by published transcriptional studies. In summary, the available evidence is currently insufficient to determine the role of this variant in disease. Therefore, it has been classified as a Variant of Uncertain Significance.

NM_000051.4(ATM):c.4576C>G (p.Pro1526Ala)

Gene: ATM (ATM serine/threonine kinase; plus strand). Cytogenetic location: 11q22.3.
Variant type: single nucleotide variant.
Coding change: c.4576C>G on transcript NM_000051.4 (MANE Select); coding-DNA position 4576, C replaced by G.
Protein change: p.Pro1526Ala; replaces proline 1526 with alanine.
Molecular consequence: missense variant.
Genome position (GRCh38, 1-based): chr11:108,292,758, C>G. VCF-style: chr11-108292758-C-G. GRCh37 (hg19) VCF-style: chr11-108163485-C-G.
Other names: c.4576C>G, p.Pro1526Ala (NM_001351834.2); short protein forms P1526A.
Identifiers: ClinVar variation 1471031 (VCV001471031.8), dbSNP rs748898098, ClinGen allele CA382533916.